The following is an entry in ClinVar:

NM_000540.3(RYR1):c.4734G>A (p.Met1578Ile)

Gene: RYR1 (ryanodine receptor 1; plus strand). Cytogenetic location: 19q13.2.
Variant type: single nucleotide variant.
Coding change: c.4734G>A on transcript NM_000540.3 (MANE Select); coding-DNA position 4734, G replaced by A.
Protein change: p.Met1578Ile; replaces methionine 1578 with isoleucine.
Molecular consequence: missense variant.
Genome position (GRCh38, 1-based): chr19:38,483,316, G>A. VCF-style: chr19-38483316-G-A. GRCh37 (hg19) VCF-style: chr19-38973956-G-A.
Other names: c.4734G>A, p.Met1578Ile (NM_001042723.2); short protein forms M1578I.
Identifiers: ClinVar variation 3069468 (VCV003069468.1), dbSNP rs765991080, ClinGen allele CA066415.

ClinVar aggregate classification (germline): Uncertain significance (1 of 4 stars; one submission).

Conditions:
Malignant hyperthermia, susceptibility to, 1 (MHS1). Also called: RYR1-Related Malignant Hyperthermia Susceptibility; Anesthesia related hyperthermia; Malignant hyperpyrexia; Fulminating hyperpyrexia; Pharmacogenic myopathy; Malignant hyperthermia suceptibility 1. Identifiers: Orphanet 423, MedGen C2930980, MONDO:0007783, OMIM 145600.

Allele frequency attached by ClinVar (database versions not stated): gnomAD exomes below 0.00001; ExAC 0.00004.

Submission:

All of Us Research Program, National Institutes of Health
Classification: Uncertain significance for Malignant hyperthermia, susceptibility to, 1. Last evaluated: 2023-03-04. Review status: criteria provided, single submitter. Criteria: ACMG Guidelines, 2015. Collection method: clinical testing. Allele origin: germline. Inheritance: Autosomal dominant inheritance. Observed: 1 variant allele, 1 heterozygote.
Comment: This study involves interpretation of variants in research participants for the purpose of population health screening. Participant phenotype was not available at the time of variant classification. Additional details can be found in publication PMID: 35346344, PMCID: PMC8962531